The following is an entry in ClinVar:

ClinVar aggregate classification (germline): Uncertain significance (1 of 4 stars; one submission).

Submission:

Labcorp Genetics (formerly Invitae), Labcorp
Classification: Uncertain significance. Last evaluated: 2025-02-27. Review status: criteria provided, single submitter. Criteria: Invitae Variant Classification Sherloc (09022015). Collection method: clinical testing. Allele origin: germline.
Comment: This sequence change replaces glycine, which is neutral and non-polar, with aspartic acid, which is acidic and polar, at codon 76 of the GATA5 protein (p.Gly76Asp). This variant is not present in population databases (gnomAD no frequency). This variant has not been reported in the literature in individuals affected with GATA5-related conditions. Invitae Evidence Modeling of protein sequence and biophysical properties (such as structural, functional, and spatial information, amino acid conservation, physicochemical variation, residue mobility, and thermodynamic stability) indicates that this missense variant is not expected to disrupt GATA5 protein function with a negative predictive value of 80%. In summary, the available evidence is currently insufficient to determine the role of this variant in disease. Therefore, it has been classified as a Variant of Uncertain Significance.

NM_080473.5(GATA5):c.227G>A (p.Gly76Asp)

Gene: GATA5 (GATA binding protein 5; minus strand). Cytogenetic location: 20q13.33.
Variant type: single nucleotide variant.
Coding change: c.227G>A on transcript NM_080473.5 (MANE Select); coding-DNA position 227, G replaced by A.
Protein change: p.Gly76Asp; replaces glycine 76 with aspartic acid.
Molecular consequence: missense variant.
Genome position (GRCh38, 1-based): chr20:62,475,295, C>T on the plus strand (G>A on the coding strand, the complement: GATA5 is on the minus strand). VCF-style: chr20-62475295-C-T. GRCh37 (hg19) VCF-style: chr20-61050351-C-T.
Other names: short protein forms G76D.
Identifiers: ClinVar variation 4743125 (VCV004743125.1).
Genomic context (GRCh38, chr20:62,475,295, plus strand): 5'-GCGAAAGGGAAGGCGGTGGCCCCGGGCGGGTGCGCGGCTGGGGGGTGCGGACTGCCCGGG[C>T]CGAAGGCCGACGAATCCGCGGTGGCTGTCTGCGCCCAGCCGGGGCGCGCAGCGAGCTCGG-3'
Protein context (NP_536721.1, residues 66-86): QTATADSSAF[Gly76Asp]PGSPHPPAAH